The following is an entry in ClinVar:

ClinVar aggregate classification (germline): Uncertain significance (1 of 4 stars; one submission).

Allele frequency attached by ClinVar (database versions not stated): gnomAD exomes below 0.00001.
gnomAD v4.1: 7 of 1,614,112 alleles (0.00043%); highest among the groups gnomAD compares: Admixed American, 0.0017%; no homozygotes.

Submission:

Labcorp Genetics (formerly Invitae), Labcorp
Classification: Uncertain significance. Last evaluated: 2025-01-20. Review status: criteria provided, single submitter. Criteria: Invitae Variant Classification Sherloc (09022015). Collection method: clinical testing. Allele origin: germline.
Comment: This sequence change replaces arginine, which is basic and polar, with threonine, which is neutral and polar, at codon 4217 of the ANK3 protein (p.Arg4217Thr). This variant is present in population databases (no rsID available, gnomAD 0.004%). This variant has not been reported in the literature in individuals affected with ANK3-related conditions. ClinVar contains an entry for this variant (Variation ID: 2877515). An algorithm developed to predict the effect of missense changes on protein structure and function (PolyPhen-2) suggests that this variant is likely to be disruptive. In summary, the available evidence is currently insufficient to determine the role of this variant in disease. Therefore, it has been classified as a Variant of Uncertain Significance.

NM_020987.5(ANK3):c.12650G>C (p.Arg4217Thr)

Gene: ANK3 (ankyrin 3; minus strand). Cytogenetic location: 10q21.2.
Variant type: single nucleotide variant.
Coding change: c.12650G>C on transcript NM_020987.5 (MANE Select); coding-DNA position 12650, G replaced by C.
Protein change: p.Arg4217Thr; replaces arginine 4217 with threonine.
Molecular consequence: missense variant.
Genome position (GRCh38, 1-based): chr10:60,059,376, C>G on the plus strand (G>C on the coding strand, the complement: ANK3 is on the minus strand). VCF-style: chr10-60059376-C-G. GRCh37 (hg19) VCF-style: chr10-61819134-C-G.
Other names: c.2522G>C, p.Arg841Thr (NM_001149.4); c.5102G>C, p.Arg1701Thr (NM_001204403.2); c.5123G>C, p.Arg1708Thr (NM_001204404.2); c.5120G>C, p.Arg1707Thr (NM_001320874.2); short protein forms R4217T, R1708T, R1707T, R1701T, R841T.
Identifiers: ClinVar variation 2877515 (VCV002877515.3), dbSNP rs1456125649, ClinGen allele CA376991885.